The following is an entry in ClinVar:

NM_000426.4(LAMA2):c.8180_8181del (p.Ile2727fs)

Gene: LAMA2 (laminin subunit alpha 2; plus strand). Cytogenetic location: 6q22.33.
Variant type: Deletion.
Coding change: c.8180_8181del on transcript NM_000426.4 (MANE Select); coding-DNA positions 8180 to 8181, 2 bases deleted (TA; older notation c.8180_8181delTA).
Protein change: p.Ile2727fs; shifts the reading frame from isoleucine 2727.
Molecular consequence: frameshift variant.
Genome position (GRCh38, 1-based): chr6:129,492,419-129,492,420, TA deleted; deleting any 2 consecutive bases within chr6:129,492,418-129,492,420 gives the same sequence; the c. name uses the placement nearest the transcript's 3' end. VCF-style (leftmost placement, unchanged base first): chr6-129492417-AAT-A. GRCh37 (hg19) VCF-style: chr6-129813562-AAT-A.
Other names: c.8180_8181delTA (NM_000426.3); c.8168_8169del, p.Ile2723fs (NM_001079823.2); short protein forms I2723fs, I2727fs.
Identifiers: ClinVar variation 477512 (VCV000477512.9), dbSNP rs1205783002, ClinGen allele CA658657622.

ClinVar aggregate classification (germline): Pathogenic. Review status: criteria provided, multiple submitters, no conflicts (2 of 4 stars). 2 submissions from 2 submitters: Pathogenic (2). Last evaluated 2025-09-07.

Conditions:
LAMA2-related muscular dystrophy (LAMA2-RD). Also called: Laminin alpha 2-related dystrophy. Identifiers: MedGen C5679788, MONDO:0100228.

Submissions (2):

Myriad Genetics, Inc.
Classification: Pathogenic for LAMA2-related muscular dystrophy. Last evaluated: 2025-09-07. Review status: criteria provided, single submitter. Criteria: Myriad Autosomal Dominant, Autosomal Recessive and X-Linked Classification Criteria (2023). Collection method: clinical testing. Allele origin: unknown.
Comment: NM_000426.3(LAMA2):c.8180_8181delTA(I2727Sfs*5) is expected to be pathogenic in the context of muscular dystrophy, LAMA2-related. This variant is predicted to lead to an abnormal or absent protein product due to the creation of a premature termination codon in LAMA2, a gene where loss-of-function variants are known to be pathogenic. Please note: this variant was assessed in the context of healthy population screening.

Labcorp Genetics (formerly Invitae), Labcorp
Classification: Pathogenic for LAMA2-related muscular dystrophy. Last evaluated: 2022-12-15. Review status: criteria provided, single submitter. Criteria: Invitae Variant Classification Sherloc (09022015). Collection method: clinical testing. Allele origin: germline.
Comment: For these reasons, this variant has been classified as Pathogenic. ClinVar contains an entry for this variant (Variation ID: 477512). This variant has not been reported in the literature in individuals affected with LAMA2-related conditions. This variant is not present in population databases (gnomAD no frequency). This sequence change creates a premature translational stop signal (p.Ile2727Serfs*5) in the LAMA2 gene. It is expected to result in an absent or disrupted protein product. Loss-of-function variants in LAMA2 are known to be pathogenic (PMID: 18700894, 32904964).

Literature cited by the submitters: PubMed 18700894 (cited by Labcorp Genetics (formerly Invitae), Labcorp); PubMed 32904964 (cited by Labcorp Genetics (formerly Invitae), Labcorp).